The following is an entry in ClinVar:

NM_080632.3(UPF3B):c.1352G>A (p.Arg451Gln)

Gene: UPF3B (UPF3B regulator of nonsense mediated mRNA decay; minus strand). Cytogenetic location: Xq24.
Variant type: single nucleotide variant.
Coding change: c.1352G>A on transcript NM_080632.3 (MANE Select); coding-DNA position 1352, G replaced by A.
Protein change: p.Arg451Gln; replaces arginine 451 with glutamine.
Molecular consequence: missense variant.
Genome position (GRCh38, 1-based): chrX:119,834,978, C>T on the plus strand (G>A on the coding strand, the complement: UPF3B is on the minus strand). VCF-style: chrX-119834978-C-T. GRCh37 (hg19) VCF-style: chrX-118968941-C-T.
Other names: c.1352G>A (NM_080632.2); c.1313G>A, p.Arg438Gln (NM_023010.4); short protein forms R451Q, R438Q.
Identifiers: ClinVar variation 1940279 (VCV001940279.6), dbSNP rs770359758, ClinGen allele CA10503139.

ClinVar aggregate classification (germline): Uncertain significance. Review status: criteria provided, multiple submitters, no conflicts (2 of 4 stars). 2 submissions from 2 submitters: Uncertain significance (2). Last evaluated 2026-09-01.

Conditions:
Inborn genetic diseases. Identifiers: MedGen C0950123, MeSH D030342.
Intellectual developmental disorder, X-linked, syndromic 14. Also called: Syndromic X-linked intellectual disability 14. Identifiers: Orphanet 776, MedGen C1970822, MONDO:0010398, OMIM 300676.

Allele frequency attached by ClinVar (database versions not stated): gnomAD exomes 0.00001; gnomAD 0.00002; TOPMed 0.00002; ExAC 0.00001.
gnomAD v4.1: 17 of 1,210,404 alleles (0.0014%); highest among the groups gnomAD compares: Admixed American, 0.0044%; no homozygotes.

Submissions (2):

Ambry Genetics
Classification: Uncertain significance for Inborn genetic diseases. Last evaluated: 2026-09-01. Review status: criteria provided, single submitter. Criteria: Ambry Variant Classification Scheme 2023. Collection method: clinical testing. Allele origin: germline.

Labcorp Genetics (formerly Invitae), Labcorp
Classification: Uncertain significance for Intellectual developmental disorder, X-linked, syndromic 14. Last evaluated: 2022-05-25. Review status: criteria provided, single submitter. Criteria: Invitae Variant Classification Sherloc (09022015). Collection method: clinical testing. Allele origin: germline.
Comment: This sequence change replaces arginine, which is basic and polar, with glutamine, which is neutral and polar, at codon 451 of the UPF3B protein (p.Arg451Gln). This variant is present in population databases (rs770359758, gnomAD 0.001%), including at least one homozygous and/or hemizygous individual. This variant has not been reported in the literature in individuals affected with UPF3B-related conditions. Algorithms developed to predict the effect of missense changes on protein structure and function are either unavailable or do not agree on the potential impact of this missense change (SIFT: "Tolerated"; PolyPhen-2: "Probably Damaging"; Align-GVGD: "Class C0"). In summary, the available evidence is currently insufficient to determine the role of this variant in disease. Therefore, it has been classified as a Variant of Uncertain Significance.